The following is an entry in ClinVar:

NM_194277.3(FRMD7):c.92G>A (p.Ser31Asn)

Gene: FRMD7 (FERM domain containing 7; minus strand). Cytogenetic location: Xq26.2.
Variant type: single nucleotide variant.
Coding change: c.92G>A on transcript NM_194277.3 (MANE Select); coding-DNA position 92, G replaced by A.
Protein change: p.Ser31Asn; replaces serine 31 with asparagine.
Molecular consequence: missense variant.
Genome position (GRCh38, 1-based): chrX:132,100,682, C>T on the plus strand (G>A on the coding strand, the complement: FRMD7 is on the minus strand). VCF-style: chrX-132100682-C-T. GRCh37 (hg19) VCF-style: chrX-131234710-C-T.
Other names: c.92G>A, p.Ser31Asn (NM_001306193.2); short protein forms S31N.
Identifiers: ClinVar variation 1346738 (VCV001346738.8), dbSNP rs776536105, ClinGen allele CA414682261.

ClinVar aggregate classification (germline): Uncertain significance (1 of 4 stars; one submission).

Allele frequency attached by ClinVar (database versions not stated): gnomAD 0.00002.
gnomAD v4.1: 3 of 1,205,954 alleles (0.00025%); highest among the groups gnomAD compares: African/African-American, 0.0053%; no homozygotes.

Submission:

Labcorp Genetics (formerly Invitae), Labcorp
Classification: Uncertain significance. Last evaluated: 2022-06-13. Review status: criteria provided, single submitter. Criteria: Invitae Variant Classification Sherloc (09022015). Collection method: clinical testing. Allele origin: germline.
Comment: This sequence change replaces serine, which is neutral and polar, with asparagine, which is neutral and polar, at codon 31 of the FRMD7 protein (p.Ser31Asn). This variant is not present in population databases (gnomAD no frequency). In summary, the available evidence is currently insufficient to determine the role of this variant in disease. Therefore, it has been classified as a Variant of Uncertain Significance. Algorithms developed to predict the effect of missense changes on protein structure and function are either unavailable or do not agree on the potential impact of this missense change (SIFT: "Tolerated"; PolyPhen-2: "Probably Damaging"; Align-GVGD: "Class C0"). This variant has not been reported in the literature in individuals affected with FRMD7-related conditions.